The following is an entry in ClinVar:

ClinVar aggregate classification (germline): Pathogenic (1 of 4 stars; one submission).

Conditions:
Arrhythmogenic right ventricular dysplasia 9 (ARVD9). Also called: Arrhythmogenic Right Ventricular Dysplasia/Cardiomyopathy 9; ARRHYTHMOGENIC RIGHT VENTRICULAR DYSPLASIA, FAMILIAL, 9. Identifiers: MedGen C1836906, MONDO:0012180, OMIM 609040.

Submission:

Labcorp Genetics (formerly Invitae), Labcorp
Classification: Pathogenic for Arrhythmogenic right ventricular dysplasia 9. Last evaluated: 2017-01-19. Review status: criteria provided, single submitter. Criteria: Invitae Variant Classification Sherloc (09022015). Collection method: clinical testing. Allele origin: germline.
Comment: For these reasons, this variant has been classified as Pathogenic. While this particular variant has not been reported in the literature, loss-of-function variants in PKP2 are known to be pathogenic (PMID: 15489853). This variant is a complex rearrangement of the genomic region encompassing part of exon 5 and exon 6 of the PKP2 gene. This is expected to result in an absent or disrupted protein product.

Literature cited by the submitters: PubMed 15489853.

NM_001005242.3(PKP2):c.1217_1379-790inv

Gene: PKP2 (plakophilin 2; minus strand). Cytogenetic location: 12p11.21.
Variant type: Inversion.
Coding change: c.1217_1379-790inv on transcript NM_001005242.3 (MANE Select).
Molecular consequence: splice donor variant. On other transcripts: splice acceptor variant (1).
Genome position: GRCh38: chr12:32,841,995-32,850,927. GRCh37 (hg19): chr12:32,994,929-33,003,861.
Other names: c.1217_1511-790inv (NM_004572.4).
Identifiers: ClinVar variation 1074817 (VCV001074817.7), ClinGen allele CA1139532309.